The following is an entry in ClinVar:

NM_001267550.2(TTN):c.90653_90654del (p.Thr30218fs)

Genes: TTN-AS1 (TTN antisense RNA 1; plus strand), TTN (titin; minus strand). Cytogenetic location: 2q31.2.
Variant type: Deletion.
Coding change: c.90653_90654del on transcript NM_001267550.2 (MANE Select); coding-DNA positions 90653 to 90654, 2 bases deleted (CA; older notation c.90653_90654delCA).
Protein change: p.Thr30218fs; shifts the reading frame from threonine 30218.
Molecular consequence: frameshift variant.
Genome position (GRCh38, 1-based): chr2:178,552,246-178,552,247, TG deleted on the plus strand (CA on the coding strand, the reverse complement: TTN is on the minus strand); deleting any 2 consecutive bases within chr2:178,552,246-178,552,248 gives the same sequence; the c. name uses the placement nearest the transcript's 3' end. VCF-style (leftmost placement, unchanged base first): chr2-178552245-CTG-C. GRCh37 (hg19) VCF-style: chr2-179416972-CTG-C.
Other names: c.85730_85731del, p.Thr28577fs (NM_001256850.1); c.63458_63459del, p.Thr21153fs (NM_003319.4); c.82949_82950del, p.Thr27650fs (NM_133378.4); c.63833_63834del, p.Thr21278fs (NM_133432.3); c.64034_64035del, p.Thr21345fs (NM_133437.4); c.85730_85731delCA (NM_001256850.1); short protein forms T27650fs, T28577fs, T21153fs, T21345fs, T21278fs, T30218fs.
Identifiers: ClinVar variation 202491 (VCV000202491.5), dbSNP rs794729363, ClinGen allele CA309454.

ClinVar aggregate classification (germline): Likely pathogenic. Review status: criteria provided, multiple submitters, no conflicts (2 of 4 stars). 2 submissions from 2 submitters: Likely pathogenic (2). Last evaluated 2025-11-03.

Conditions:
Dilated cardiomyopathy 1G (CMD1G). Identifiers: Orphanet 154, MedGen C1858763, MONDO:0011400, OMIM 604145.
Autosomal recessive limb-girdle muscular dystrophy type 2J (LGMDR10). Also called: MUSCULAR DYSTROPHY, LIMB-GIRDLE, AUTOSOMAL RECESSIVE 10; Limb-girdle muscular dystrophy, type 2J. Identifiers: Orphanet 140922, MedGen C1837342, MONDO:0012127, OMIM 608807.

Submissions (2):

Labcorp Genetics (formerly Invitae), Labcorp
Classification: Likely pathogenic for Dilated cardiomyopathy 1G; Autosomal recessive limb-girdle muscular dystrophy type 2J. Last evaluated: 2025-11-03. Review status: criteria provided, single submitter. Criteria: Invitae Variant Classification Sherloc (09022015). Collection method: clinical testing. Allele origin: germline.
Comment: This sequence change creates a premature translational stop signal (p.Thr30218Serfs*17) in the TTN gene. While this is not anticipated to result in nonsense mediated decay, it is expected to create a truncated TTN protein. This variant is not present in population databases (gnomAD no frequency). This premature translational stop signal has been observed in individual(s) with dilated cardiomyopathy (internal data). ClinVar contains an entry for this variant (Variation ID: 202491). This variant is located in the A band of TTN (PMID: 25589632). Truncating variants in this region are significantly overrepresented in patients affected with dilated cardiomyopathy (PMID: 25589632). Truncating variants in this region have also been reported in individuals affected with autosomal recessive centronuclear myopathy (PMID: 23975875). In summary, the currently available evidence indicates that the variant is pathogenic, but additional data are needed to prove that conclusively. Therefore, this variant has been classified as Likely Pathogenic.

GeneDx
Classification: Likely pathogenic. Last evaluated: 2013-01-09. Review status: criteria provided, single submitter. Criteria: GeneDx Variant Classification (06012015). Collection method: clinical testing. Allele origin: germline. Affected: yes.
Comment: c.85730_85731delCA: p.Thr28577SerfsX17 (T28577SfsX17) in exon 285 of the TTN gene (NM_001256850.1). The normal sequence with the bases that are deleted in braces is: ATTA{CA}GTCA. The c.85730_85731delCA variant in the TTN gene has not been reported previously as pathogenic nor as a benign polymorphism to our knowledge. This small deletion causes a shift in reading frame starting at codon Threonine 28577, changing it to a Serine, and creating a premature stop codon at position 17 of the new reading frame, denoted p.Thr28577SerfsX17. c.85730_85731delCA is expected to result in either an abnormal, truncated protein product or loss of protein from this allele through nonsense-mediated mRNA decay. This likely pathogenic variant is located in the A-band region of titin, where the majority of truncating mutations associated with DCM have been reported (Herman D et al., 2012). In summary, c.85730_85731delCAin the TTN gene is a likely pathogenic variant.

Literature cited by the submitters: PubMed 25589632 (cited by Labcorp Genetics (formerly Invitae), Labcorp); PubMed 23975875 (cited by Labcorp Genetics (formerly Invitae), Labcorp).